The following is an entry in ClinVar:

NM_020458.4(TTC7A):c.1610_1611del (p.Tyr537fs)

Gene: TTC7A (tetratricopeptide repeat domain 7A; plus strand). Cytogenetic location: 2p21.
Variant type: Deletion.
Coding change: c.1610_1611del on transcript NM_020458.4 (MANE Select); coding-DNA positions 1610 to 1611, 2 bases deleted (AT; older notation c.1610_1611delAT).
Protein change: p.Tyr537fs; shifts the reading frame from tyrosine 537.
Molecular consequence: frameshift variant.
Genome position (GRCh38, 1-based): chr2:47,024,328-47,024,329, AT deleted; deleting any 2 consecutive bases within chr2:47,024,327-47,024,329 gives the same sequence; the c. name uses the placement nearest the transcript's 3' end. VCF-style (leftmost placement, unchanged base first): chr2-47024326-CTA-C. GRCh37 (hg19) VCF-style: chr2-47251465-CTA-C.
Other names: c.1610_1611del, p.Tyr537fs (NM_001288951.2); c.1508_1509del, p.Tyr503fs (NM_001288953.2); c.548_549del, p.Tyr183fs (NM_001288955.2); short protein forms Y183fs, Y503fs, Y537fs.
Identifiers: ClinVar variation 3626176 (VCV003626176.2).

ClinVar aggregate classification (germline): Pathogenic (1 of 4 stars; one submission).

Conditions:
Multiple gastrointestinal atresias. Also called: FAMILIAL INTESTINAL POLYATRESIA SYNDROME; Multiple intestinal atresia. Identifiers: Orphanet 2300, MedGen C0220744, MONDO:0009465.

Submission:

Labcorp Genetics (formerly Invitae), Labcorp
Classification: Pathogenic for Multiple gastrointestinal atresias. Last evaluated: 2024-11-14. Review status: criteria provided, single submitter. Criteria: Invitae Variant Classification Sherloc (09022015). Collection method: clinical testing. Allele origin: germline.
Comment: This sequence change creates a premature translational stop signal (p.Tyr537Cysfs*28) in the TTC7A gene. It is expected to result in an absent or disrupted protein product. Loss-of-function variants in TTC7A are known to be pathogenic (PMID: 23830146, 24292712). This variant is not present in population databases (gnomAD no frequency). This variant has not been reported in the literature in individuals affected with TTC7A-related conditions. For these reasons, this variant has been classified as Pathogenic.

Literature cited by the submitters: PubMed 23830146; PubMed 24292712.